The following is an entry in ClinVar:

ClinVar aggregate classification (germline): Likely benign. Review status: criteria provided, multiple submitters, no conflicts (2 of 4 stars). 2 submissions from 2 submitters: Likely benign (2). Last evaluated 2023-11-14.

Conditions:
Dilated cardiomyopathy 1G (CMD1G). Identifiers: Orphanet 154, MedGen C1858763, MONDO:0011400, OMIM 604145.
Autosomal recessive limb-girdle muscular dystrophy type 2J (LGMDR10). Also called: Limb-girdle muscular dystrophy, type 2J; MUSCULAR DYSTROPHY, LIMB-GIRDLE, AUTOSOMAL RECESSIVE 10. Identifiers: Orphanet 140922, MedGen C1837342, MONDO:0012127, OMIM 608807.

Allele frequency attached by ClinVar (database versions not stated): gnomAD exomes below 0.00001.
gnomAD v4.1: 1 of 1,613,542 alleles (0.000062%); highest among the groups gnomAD compares: Non-Finnish European, 0.000085%; no homozygotes.

Submissions (2):

Labcorp Genetics (formerly Invitae), Labcorp
Classification: Likely benign for Dilated cardiomyopathy 1G; Autosomal recessive limb-girdle muscular dystrophy type 2J. Last evaluated: 2023-11-14. Review status: criteria provided, single submitter. Criteria: Invitae Variant Classification Sherloc (09022015). Collection method: clinical testing. Allele origin: germline.

Laboratory for Molecular Medicine, Mass General Brigham Personalized Medicine
Classification: Likely benign. Last evaluated: 2014-03-13. Review status: criteria provided, single submitter. Criteria: LMM Criteria. Collection method: clinical testing. Allele origin: germline. Observed: 1 variant allele.
Comment: Gln5026Gln in exon 61 of TTN: This variant is not expected to have clinical sign ificance because it does not alter an amino acid residue and is not located with in the splice consensus sequence.

NM_001267550.2(TTN):c.18810G>A (p.Gln6270=)

Genes: TTN (titin; minus strand), LOC126806430 (BRD4-independent group 4 enhancer GRCh37_chr2:179593794-179594993; plus strand). Cytogenetic location: 2q31.2.
Variant type: single nucleotide variant.
Coding change: c.18810G>A on transcript NM_001267550.2 (MANE Select); coding-DNA position 18810, G replaced by A.
Protein change: p.Gln6270=; no amino-acid change (glutamine 6270 retained).
Molecular consequence: synonymous variant. On other transcripts: intron variant (3).
Genome position (GRCh38, 1-based): chr2:178,729,346, C>T on the plus strand (G>A on the coding strand, the complement: TTN is on the minus strand). VCF-style: chr2-178729346-C-T. GRCh37 (hg19) VCF-style: chr2-179594073-C-T.
Other names: c.15078G>A, p.Gln5026= (NM_133378.4); c.17859G>A, p.Gln5953= (NM_001256850.1); c.13282+8736G>A (NM_003319.4); c.13858+8736G>A (NM_133437.4); c.13657+8736G>A (NM_133432.3).
Identifiers: ClinVar variation 179640 (VCV000179640.10), dbSNP rs727505012, ClinGen allele CA184827.
Genomic context (GRCh38, chr2:178,729,346, plus strand): 5'-ACCTTTCAGGGCAACTCTAGTACTGCATGAGCAGCTGCCGCCTTCATTGGATACAATGCA[C>T]TGGTATTCCCCAGTGTCTGAAGGGTCACACTTGGTTATATGGAGGTTAAACACAGACACT-3'
Protein context (NP_001254479.2, residues 6260-6280): KCDPSDTGEY[Gln6270=]CIVSNEGGSC